The following is an entry in ClinVar:

NM_145059.3(FCSK):c.286-10_286-9insTTTGAT

Gene: FCSK (fucose kinase; plus strand). Cytogenetic location: 16q22.1.
Variant type: Insertion.
Coding change: c.286-10_286-9insTTTGAT on transcript NM_145059.3 (MANE Select); 10 bases into the intron before coding-DNA position 286 through 9 bases into the intron before coding-DNA position 286, TTTGAT inserted.
Molecular consequence: intron variant.
Genome position: GRCh38 VCF-style: chr16-70466122-C-CTTTGAT. GRCh37 (hg19) VCF-style: chr16-70500025-C-CTTTGAT.
Identifiers: ClinVar variation 2007749 (VCV002007749.4), dbSNP rs2507418678, ClinGen allele CA2580091910.

ClinVar aggregate classification (germline): Uncertain significance (1 of 4 stars; one submission).

Submission:

Labcorp Genetics (formerly Invitae), Labcorp
Classification: Uncertain significance. Last evaluated: 2022-06-26. Review status: criteria provided, single submitter. Criteria: Invitae Variant Classification Sherloc (09022015). Collection method: clinical testing. Allele origin: germline.
Comment: In summary, the available evidence is currently insufficient to determine the role of this variant in disease. Therefore, it has been classified as a Variant of Uncertain Significance. Algorithms developed to predict the effect of sequence changes on RNA splicing suggest that this variant may disrupt the consensus splice site. This variant has not been reported in the literature in individuals affected with FUK-related conditions. This variant is not present in population databases (gnomAD no frequency). This sequence change falls in intron 4 of the FUK gene. It does not directly change the encoded amino acid sequence of the FUK protein.